The following is an entry in ClinVar:

NM_001003800.2(BICD2):c.1401C>T (p.His467=)

Gene: BICD2 (BICD cargo adaptor 2; minus strand). Cytogenetic location: 9q22.31.
Variant type: single nucleotide variant.
Coding change: c.1401C>T on transcript NM_001003800.2 (MANE Select); coding-DNA position 1401, C replaced by T.
Protein change: p.His467=; no amino-acid change (histidine 467 retained).
Molecular consequence: synonymous variant.
Genome position (GRCh38, 1-based): chr9:92,719,244, G>A on the plus strand (C>T on the coding strand, the complement: BICD2 is on the minus strand). VCF-style: chr9-92719244-G-A. GRCh37 (hg19) VCF-style: chr9-95481526-G-A.
Other names: c.1401C>T, p.His467= (NM_015250.4); c.1401C>T (NM_001003800.1).
Identifiers: ClinVar variation 1167684 (VCV001167684.12), dbSNP rs144442734, ClinGen allele CA5126565.
Genomic context (GRCh38, chr9:92,719,244, plus strand): 5'-CAGGGAGACCTTCTCCGTGAGTGCCTGGCCCTCAGCCTCATAGCGGCCCTTCTCCTCGGC[G>A]TGCTGGGCCTCACGAGCCTCGTGCGTGCTGCGCAGTGCCTTGAGCTGCTCGCGGAGCTCG-3'
Protein context (NP_001003800.1, residues 457-477): RSTHEAREAQ[His467=]AEEKGRYEAE

ClinVar aggregate classification (germline): Benign/Likely benign. Review status: criteria provided, multiple submitters, no conflicts (2 of 4 stars). 3 submissions from 3 submitters: Benign (1); Likely benign (1). 1 of the submissions does not count toward it. Last evaluated 2025-10-12.

Conditions:
Autosomal dominant childhood-onset proximal spinal muscular atrophy with contractures (SMALED2A). Also called: Spinal muscular atrophy, lower extremity-predominant, 2A, autosomal dominant; SPINAL MUSCULAR ATROPHY, LOWER EXTREMITY-PREDOMINANT, 2A, CHILDHOOD ONSET, AUTOSOMAL DOMINANT. Identifiers: Orphanet 363447, Orphanet 363454, MedGen C4747715, MONDO:0014121, OMIM 615290.
BICD2-related disorder. Also called: BICD2-related condition.
Spinal muscular atrophy, lower extremity-predominant, 2b, prenatal onset, autosomal dominant. Also called: Spinal muscular atrophy, lower extremity-predominant, 2B, autosomal dominant. Identifiers: MedGen C4749003, MONDO:0032660, OMIM 618291.

Allele frequency attached by ClinVar (database versions not stated): gnomAD exomes 0.00006 and 0.00027; TOPMed 0.00012; 1000 Genomes Project 0.00080; gnomAD 0.00009 and 0.00014; ESP Exome Variant Server 0.00008; ExAC 0.00022; 1000 Genomes Project 30x 0.00078.
gnomAD v4.1: 117 of 1,612,726 alleles (0.0073%); highest among the groups gnomAD compares: East Asian, 0.18%; no homozygotes.

Submissions (3):

Labcorp Genetics (formerly Invitae), Labcorp
Classification: Benign for Autosomal dominant childhood-onset proximal spinal muscular atrophy with contractures. Last evaluated: 2025-10-12. Review status: criteria provided, single submitter. Criteria: Invitae Variant Classification Sherloc (09022015). Collection method: clinical testing. Allele origin: germline.

Fulgent Genetics
Classification: Likely benign for Autosomal dominant childhood-onset proximal spinal muscular atrophy with contractures; Spinal muscular atrophy, lower extremity-predominant, 2b, prenatal onset, autosomal dominant. Last evaluated: 2022-02-25. Review status: criteria provided, single submitter. Criteria: ACMG Guidelines, 2015. Collection method: clinical testing. Allele origin: unknown.

PreventionGenetics, part of Exact Sciences
Classification: Likely benign for BICD2-related condition. Last evaluated: 2019-05-24. Review status: no assertion criteria provided. Collection method: clinical testing. Allele origin: germline. Not counted in ClinVar's aggregate classification.
Comment: This variant is classified as likely benign based on ACMG/AMP sequence variant interpretation guidelines (Richards et al. 2015 PMID: 25741868, with internal and published modifications).